The following is an entry in ClinVar:

ClinVar aggregate classification (germline): Likely benign (1 of 4 stars; one submission).

Allele frequency attached by ClinVar (database versions not stated): 1000 Genomes Project 30x 0.00281; ESP Exome Variant Server 0.00534.
gnomAD v4.1: 10,085 of 1,613,530 alleles (0.63%); highest among the groups gnomAD compares: Non-Finnish European, 0.72%; 42 homozygotes.

Submission:

CeGaT Center for Human Genetics Tuebingen
Classification: Likely benign. Last evaluated: 2023-03-01. Review status: criteria provided, single submitter. Criteria: CeGaT Center For Human Genetics Tuebingen Variant Classification Criteria Version 2. Collection method: clinical testing. Allele origin: germline. Affected: yes. Observed: 1 variant allele.
Comment: ADAMTS16: BP4, BP7, BS2

NM_139056.4(ADAMTS16):c.3609C>T (p.His1203=)

Gene: ADAMTS16 (ADAM metallopeptidase with thrombospondin type 1 motif 16; plus strand). Cytogenetic location: 5p15.32.
Variant type: single nucleotide variant.
Coding change: c.3609C>T on transcript NM_139056.4 (MANE Select); coding-DNA position 3609, C replaced by T.
Protein change: p.His1203=; no amino-acid change (histidine 1203 retained).
Molecular consequence: synonymous variant. On other transcripts: non-coding transcript variant (1).
Genome position (GRCh38, 1-based): chr5:5,319,072, C>T. VCF-style: chr5-5319072-C-T. GRCh37 (hg19) VCF-style: chr5-5319185-C-T.
Identifiers: ClinVar variation 2655288 (VCV002655288.24), dbSNP rs145851675, ClinGen allele CA3190425.
Genomic context (GRCh38, chr5:5,319,072, plus strand): 5'-CTCATTTTCAGATGCCTTCTGCAAAGACTACTTCCACTGGTGCTACCTGGTACCCCAGCA[C>T]GGGATGTGCAGCCACAAGTTCTACGGCAAGCAGTGCTGCAAGACTTGCTCTAAGTCCAAC-3'
Protein context (NP_620687.2, residues 1193-1213): YFHWCYLVPQ[His1203=]GMCSHKFYGK